The following is an entry in ClinVar:

NM_004370.6(COL12A1):c.7634G>A (p.Gly2545Glu)

Gene: COL12A1 (collagen type XII alpha 1 chain; minus strand). Cytogenetic location: 6q13.
Variant type: single nucleotide variant.
Coding change: c.7634G>A on transcript NM_004370.6 (MANE Select); coding-DNA position 7634, G replaced by A.
Protein change: p.Gly2545Glu; replaces glycine 2545 with glutamic acid.
Molecular consequence: missense variant.
Genome position (GRCh38, 1-based): chr6:75,115,847, C>T on the plus strand (G>A on the coding strand, the complement: COL12A1 is on the minus strand). VCF-style: chr6-75115847-C-T. GRCh37 (hg19) VCF-style: chr6-75825563-C-T.
Other names: c.7634G>A, p.Gly2545Glu (NM_001424113.1); c.7613G>A, p.Gly2538Glu (NM_001424114.1); c.7361G>A, p.Gly2454Glu (NM_001424115.1); c.4142G>A, p.Gly1381Glu (NM_001424116.1, NM_080645.3); c.7634G>A (NM_004370.5); short protein forms G1381E, G2454E, G2538E, G2545E.
Identifiers: ClinVar variation 3768406 (VCV003768406.2).
Genomic context (GRCh38, chr6:75,115,847, plus strand): 5'-GTAGGCTGATTCACAAACGCATTCTTCTGAATCCTGTATGCTGAGTAGCTGGGGAAAGAC[C>T]CTGACTCCAAAGATACTCCTTGTACAGAAGCAAAATTCTTTTCTGTCAGGTTGTATGCTT-3'
Protein context (NP_004361.3, residues 2535-2555): ASVQGVSLES[Gly2545Glu]SFPSYSAYRI

ClinVar aggregate classification (germline): Uncertain significance. Review status: criteria provided, multiple submitters, no conflicts (2 of 4 stars). 2 submissions from 2 submitters: Uncertain significance (2). Last evaluated 2026-02-25.

gnomAD v4.1: 1 of 1,613,580 alleles (0.000062%); highest among the groups gnomAD compares: Non-Finnish European, 0.000085%; no homozygotes.

Submissions (2):

GeneDx
Classification: Uncertain significance. Last evaluated: 2026-02-25. Review status: criteria provided, single submitter. Criteria: GeneDx Variant Classification Process June 2021. Collection method: clinical testing. Allele origin: germline.
Comment: Not observed at significant frequency in large population cohorts (gnomAD); In silico analysis supports that this missense variant has a deleterious effect on protein structure/function; Has not been previously published as pathogenic or benign to our knowledge

Women's Health and Genetics/Laboratory Corporation of America, LabCorp
Classification: Uncertain significance. Last evaluated: 2024-12-31. Review status: criteria provided, single submitter. Criteria: LabCorp Variant Classification Summary - May 2015. Collection method: clinical testing. Allele origin: germline.
Comment: Variant summary: COL12A1 c.7634G>A (p.Gly2545Glu) results in a non-conservative amino acid change located in the Thrombospondin N-terminal -like domain of the encoded protein sequence. Four of five in-silico tools predict a damaging effect of the variant on protein function. The variant allele was found at a frequency of 8e-06 in 248714 control chromosomes. The available data on variant occurrences in the general population are insufficient to allow any conclusion about variant significance. To our knowledge, no occurrence of c.7634G>A in individuals affected with Ullrich congenital muscular dystrophy 2 and no experimental evidence demonstrating its impact on protein function have been reported. No submitters have cited clinical-significance assessments for this variant to ClinVar. Based on the evidence outlined above, the variant was classified as uncertain significance.